The following is an entry in ClinVar:

NM_000264.5(PTCH1):c.3562A>T (p.Asn1188Tyr)

Gene: PTCH1 (patched 1; minus strand). Cytogenetic location: 9q22.32.
Variant type: single nucleotide variant.
Coding change: c.3562A>T on transcript NM_000264.5 (MANE Select); coding-DNA position 3562, A replaced by T.
Protein change: p.Asn1188Tyr; replaces asparagine 1188 with tyrosine.
Molecular consequence: missense variant. On other transcripts: non-coding transcript variant (1).
Genome position (GRCh38, 1-based): chr9:95,449,311, T>A on the plus strand (A>T on the coding strand, the complement: PTCH1 is on the minus strand). VCF-style: chr9-95449311-T-A. GRCh37 (hg19) VCF-style: chr9-98211593-T-A.
Other names: c.3109A>T, p.Asn1037Tyr (NM_001083604.3, NM_001083605.3, NM_001083606.3 and 1 more transcripts); c.3406A>T, p.Asn1136Tyr (NM_001354918.2); c.3364A>T, p.Asn1122Tyr (NM_001083602.3); c.3559A>T, p.Asn1187Tyr (NM_001083603.3); short protein forms N1037Y, N1122Y, N1136Y, N1187Y, N1188Y.
Identifiers: ClinVar variation 3231019 (VCV003231019.1), dbSNP rs1319757275, ClinGen allele CA374111393.

ClinVar aggregate classification (germline): Uncertain significance (1 of 4 stars; one submission).

Conditions:
Hereditary cancer-predisposing syndrome. Also called: Neoplastic Syndromes, Hereditary; Tumor predisposition; Hereditary neoplastic syndrome; Hereditary Cancer Syndrome. Identifiers: Orphanet 140162, MedGen C0027672, MeSH D009386, MONDO:0015356.

gnomAD v4.1: 5 of 1,551,668 alleles (0.00032%); highest among the groups gnomAD compares: Non-Finnish European, 0.00044%; no homozygotes.

Submission:

Ambry Genetics
Classification: Uncertain significance for Hereditary cancer-predisposing syndrome. Last evaluated: 2024-01-21. Review status: criteria provided, single submitter. Criteria: Ambry Variant Classification Scheme 2023. Collection method: clinical testing. Allele origin: germline.
Comment: The p.N1188Y variant (also known as c.3562A>T), located in coding exon 22 of the PTCH1 gene, results from an A to T substitution at nucleotide position 3562. The asparagine at codon 1188 is replaced by tyrosine, an amino acid with dissimilar properties. This amino acid position is conserved. In addition, this alteration is predicted to be tolerated by in silico analysis. Based on the available evidence, the clinical significance of this alteration remains unclear.